The following is an entry in ClinVar:

ClinVar aggregate classification (germline): Uncertain significance. Review status: criteria provided, multiple submitters, no conflicts (2 of 4 stars). 3 submissions from 3 submitters: Uncertain significance (3). Last evaluated 2025-12-16.

Conditions:
DST-related disorder. Also called: DST-related condition; DST-related disorders.
Inborn genetic diseases. Identifiers: MedGen C0950123, MeSH D030342.
Epidermolysis bullosa simplex 3, localized or generalized intermediate, with BP230 deficiency (EBS3). Also called: Epidermolysis bullosa simplex, autosomal recessive 2; Epidermolysis bullosa simplex due to BP230 deficiency. Identifiers: Orphanet 412181, MedGen C3809470, MONDO:0014180, OMIM 615425.
Hereditary sensory and autonomic neuropathy type 6. Also called: HSAN VI; Neuropathy, hereditary sensory and autonomic, type VI. Identifiers: Orphanet 314381, MedGen C3539003, MONDO:0013839, OMIM 614653.

Allele frequency attached by ClinVar (database versions not stated): gnomAD exomes 0.00001 and 0.00002; ExAC 0.00002; TOPMed 0.00003; gnomAD 0.00006 and 0.00009.
gnomAD v4.1: 23 of 1,611,346 alleles (0.0014%); highest among the groups gnomAD compares: African/African-American, 0.028%; no homozygotes.

Submissions (3):

Labcorp Genetics (formerly Invitae), Labcorp
Classification: Uncertain significance for Epidermolysis bullosa simplex 3, localized or generalized intermediate, with BP230 deficiency; Hereditary sensory and autonomic neuropathy type 6. Last evaluated: 2025-12-16. Review status: criteria provided, single submitter. Criteria: Invitae Variant Classification Sherloc (09022015). Collection method: clinical testing. Allele origin: germline.
Comment: The DST gene has multiple clinically relevant transcripts. This variant occurs in alternate transcript NM_015548.4, and corresponds to NM_001723.5:c.*55190G>A in the primary transcript. This sequence change replaces alanine, which is neutral and non-polar, with threonine, which is neutral and polar, at codon 2180 of the DST protein (p.Ala2180Thr). This variant is present in population databases (rs773639256, gnomAD 0.03%). This variant has not been reported in the literature in individuals affected with DST-related conditions. An algorithm developed to predict the effect of missense changes on protein structure and function outputs the following: PolyPhen-2: "Not Available". The threonine amino acid residue is found in multiple mammalian species, which suggests that this missense change does not adversely affect protein function. In summary, the available evidence is currently insufficient to determine the role of this variant in disease. Therefore, it has been classified as a Variant of Uncertain Significance.

PreventionGenetics, part of Exact Sciences
Classification: Uncertain significance for DST-related condition. Last evaluated: 2025-06-18. Review status: criteria provided, single submitter. Criteria: ACMG Guidelines, 2015. Collection method: clinical testing. Allele origin: germline.
Comment: The DST c.8050G>A variant is predicted to result in the amino acid substitution p.Ala2684Thr. To our knowledge, this variant has not been reported in the literature. This variant is reported in 0.033% of alleles in individuals of African descent in gnomAD. At this time, the clinical significance of this variant is uncertain due to the absence of conclusive functional and genetic evidence.

Ambry Genetics
Classification: Uncertain significance for Inborn genetic diseases. Last evaluated: 2022-04-08. Review status: criteria provided, single submitter. Criteria: Ambry Variant Classification Scheme 2023. Collection method: clinical testing. Allele origin: germline.
Comment: The p.A2684T variant (also known as c.8050G>A), located in coding exon 52 of the DST gene, results from a G to A substitution at nucleotide position 8050. The alanine at codon 2684 is replaced by threonine, an amino acid with similar properties. This amino acid position is well conserved in available vertebrate species; however, threonine is the reference amino acid in other vertebrate species. In addition, this alteration is predicted to be tolerated by in silico analysis. Since supporting evidence is limited at this time, the clinical significance of this alteration remains unclear.

NM_001374736.1(DST):c.14407G>A (p.Ala4803Thr)

Gene: DST (dystonin; minus strand). Cytogenetic location: 6p12.1.
Variant type: single nucleotide variant.
Coding change: c.14407G>A on transcript NM_001374736.1 (MANE Select); coding-DNA position 14407, G replaced by A.
Protein change: p.Ala4803Thr; replaces alanine 4803 with threonine.
Molecular consequence: missense variant.
Genome position (GRCh38, 1-based): chr6:56,560,327, C>T on the plus strand (G>A on the coding strand, the complement: DST is on the minus strand). VCF-style: chr6-56560327-C-T. GRCh37 (hg19) VCF-style: chr6-56425125-C-T.
Other names: c.8050G>A, p.Ala2684Thr (NM_001144769.5); c.7636G>A, p.Ala2546Thr (NM_001144770.2); c.14407G>A, p.Ala4803Thr (NM_001374722.1); c.13774G>A, p.Ala4592Thr (NM_001374729.1); c.7516G>A, p.Ala2506Thr (NM_001374730.1, NM_183380.4); c.14434G>A, p.Ala4812Thr (NM_001374734.1); c.6538G>A, p.Ala2180Thr (NM_015548.5); short protein forms A2546T, A4592T, A4812T, A2506T, A2684T, A2180T, A4803T.
Identifiers: ClinVar variation 970542 (VCV000970542.13), dbSNP rs773639256, ClinGen allele CA3868034.